The following is an entry in ClinVar:

NM_001004334.4(GPR179):c.5059G>A (p.Asp1687Asn)

Gene: GPR179 (G protein-coupled receptor 179; minus strand). Cytogenetic location: 17q12.
Variant type: single nucleotide variant.
Coding change: c.5059G>A on transcript NM_001004334.4 (MANE Select); coding-DNA position 5059, G replaced by A.
Protein change: p.Asp1687Asn; replaces aspartic acid 1687 with asparagine.
Molecular consequence: missense variant.
Genome position (GRCh38, 1-based): chr17:38,328,510, C>T on the plus strand (G>A on the coding strand, the complement: GPR179 is on the minus strand). VCF-style: chr17-38328510-C-T. GRCh37 (hg19) VCF-style: chr17-36484393-C-T.
Other names: c.5059G>A (NM_001004334.2); short protein forms D1687N.
Identifiers: ClinVar variation 1384201 (VCV001384201.5), dbSNP rs200260405, ClinGen allele CA290103776.

ClinVar aggregate classification (germline): Uncertain significance. Review status: criteria provided, multiple submitters, no conflicts (2 of 4 stars). 2 submissions from 2 submitters: Uncertain significance (2). Last evaluated 2025-04-18.

Conditions:
Inborn genetic diseases. Identifiers: MedGen C0950123, MeSH D030342.

Allele frequency attached by ClinVar (database versions not stated): gnomAD 0.00001 and 0.00002; gnomAD exomes 0.00003 and 0.00005; ExAC 0.00004; 1000 Genomes Project 30x 0.00016; TOPMed 0.00001; 1000 Genomes Project 0.00020.
gnomAD v4.1: 56 of 1,613,052 alleles (0.0035%); highest among the groups gnomAD compares: Middle Eastern, 0.033%; no homozygotes.

Submissions (2):

Ambry Genetics
Classification: Uncertain significance for Inborn genetic diseases. Last evaluated: 2025-04-18. Review status: criteria provided, single submitter. Criteria: Ambry Variant Classification Scheme 2023. Collection method: clinical testing. Allele origin: germline.

Labcorp Genetics (formerly Invitae), Labcorp
Classification: Uncertain significance. Last evaluated: 2021-09-10. Review status: criteria provided, single submitter. Criteria: Invitae Variant Classification Sherloc (09022015). Collection method: clinical testing. Allele origin: germline.
Comment: This sequence change replaces aspartic acid with asparagine at codon 1687 of the GPR179 protein (p.Asp1687Asn). The aspartic acid residue is weakly conserved and there is a small physicochemical difference between aspartic acid and asparagine. This variant is present in population databases (rs200260405, ExAC 0.009%). This variant has not been reported in the literature in individuals affected with GPR179-related conditions. Algorithms developed to predict the effect of missense changes on protein structure and function output the following: SIFT: "Tolerated"; PolyPhen-2: "Benign"; Align-GVGD: "Class C0". The asparagine amino acid residue is found in multiple mammalian species, which suggests that this missense change does not adversely affect protein function. In summary, the available evidence is currently insufficient to determine the role of this variant in disease. Therefore, it has been classified as a Variant of Uncertain Significance.